The following is an entry in ClinVar:

NM_016239.4(MYO15A):c.2879C>G (p.Pro960Arg)

Gene: MYO15A (myosin XVA; plus strand). Cytogenetic location: 17p11.2.
Variant type: single nucleotide variant.
Coding change: c.2879C>G on transcript NM_016239.4 (MANE Select); coding-DNA position 2879, C replaced by G.
Protein change: p.Pro960Arg; replaces proline 960 with arginine.
Molecular consequence: missense variant.
Genome position (GRCh38, 1-based): chr17:18,121,679, C>G. VCF-style: chr17-18121679-C-G. GRCh37 (hg19) VCF-style: chr17-18024993-C-G.
Other names: short protein forms P960R.
Identifiers: ClinVar variation 1801987 (VCV001801987.3), dbSNP rs369279423, ClinGen allele CA8423328.

ClinVar aggregate classification (germline): Uncertain significance. Review status: criteria provided, multiple submitters, no conflicts (2 of 4 stars). 2 submissions from 2 submitters: Uncertain significance (2). Last evaluated 2023-04-25.

Conditions:
Inborn genetic diseases. Identifiers: MedGen C0950123, MeSH D030342.

Allele frequency attached by ClinVar (database versions not stated): gnomAD 0.00003; ESP Exome Variant Server 0.00017.
gnomAD v4.1: 56 of 1,607,406 alleles (0.0035%); highest among the groups gnomAD compares: Middle Eastern, 0.066%; no homozygotes.

Submissions (2):

Ambry Genetics
Classification: Uncertain significance for Inborn genetic diseases. Last evaluated: 2023-04-25. Review status: criteria provided, single submitter. Criteria: Ambry Variant Classification Scheme 2023. Collection method: clinical testing. Allele origin: germline.

GeneDx
Classification: Uncertain significance. Last evaluated: 2022-12-05. Review status: criteria provided, single submitter. Criteria: GeneDx Variant Classification Process June 2021. Collection method: clinical testing. Allele origin: germline. Affected: yes.
Comment: In silico analysis supports that this missense variant does not alter protein structure/function; Has not been previously published as pathogenic or benign to our knowledge